The following is an entry in ClinVar:

NM_000038.6(APC):c.6954T>C (p.Ser2318=)

Gene: APC (APC regulator of Wnt signaling pathway; plus strand). Cytogenetic location: 5q22.2.
Variant type: single nucleotide variant.
Coding change: c.6954T>C on transcript NM_000038.6 (MANE Select); coding-DNA position 6954, T replaced by C.
Protein change: p.Ser2318=; no amino-acid change (serine 2318 retained).
Molecular consequence: synonymous variant.
Genome position (GRCh38, 1-based): chr5:112,842,548, T>C. VCF-style: chr5-112842548-T-C. GRCh37 (hg19) VCF-style: chr5-112178245-T-C.
Other names: c.6954T>C, p.Ser2318= (NM_001127510.3, NM_001354895.2); c.6900T>C, p.Ser2300= (NM_001127511.3); c.7008T>C, p.Ser2336= (NM_001354896.2); c.6984T>C, p.Ser2328= (NM_001354897.2); c.6879T>C, p.Ser2293= (NM_001354898.2); c.6870T>C, p.Ser2290= (NM_001354899.2); c.6831T>C, p.Ser2277= (NM_001354900.2); c.6777T>C, p.Ser2259= (NM_001354901.2); and 5 more.
Identifiers: ClinVar variation 490350 (VCV000490350.52), dbSNP rs1554087876, ClinGen allele CA446210560.

ClinVar aggregate classification (germline): Benign/Likely benign. Review status: criteria provided, multiple submitters, no conflicts (2 of 4 stars). 3 submissions from 3 submitters: Benign (1); Likely benign (2). Last evaluated 2024-04-08.

Conditions:
Hereditary cancer-predisposing syndrome. Also called: Hereditary Cancer Syndrome; Neoplastic Syndromes, Hereditary; Tumor predisposition; Hereditary neoplastic syndrome. Identifiers: Orphanet 140162, MedGen C0027672, MeSH D009386, MONDO:0015356.
Familial adenomatous polyposis 1 (FAP1). Also called: POLYPOSIS, ADENOMATOUS INTESTINAL; FAMILIAL ADENOMATOUS POLYPOSIS 1, ATTENUATED. Identifiers: MedGen C2713442, MONDO:0021056, OMIM 175100. Disease mechanism: loss of function.

Allele frequency attached by ClinVar (database versions not stated): TOPMed below 0.00001; gnomAD 0.00001.
gnomAD v4.1: 1 of 1,613,908 alleles (0.000062%); highest among the groups gnomAD compares: African/African-American, 0.0013%; no homozygotes.

Submissions (3):

Myriad Genetics, Inc.
Classification: Benign for Familial adenomatous polyposis 1. Last evaluated: 2024-04-08. Review status: criteria provided, single submitter. Criteria: Myriad Autosomal Dominant, Autosomal Recessive and X-Linked Classification Criteria (2023). Collection method: clinical testing. Allele origin: unknown.
Comment: This variant is considered benign. This variant is a silent/synonymous amino acid change and it is not expected to impact splicing.

Labcorp Genetics (formerly Invitae), Labcorp
Classification: Likely benign for Familial adenomatous polyposis 1. Last evaluated: 2023-12-13. Review status: criteria provided, single submitter. Criteria: Invitae Variant Classification Sherloc (09022015). Collection method: clinical testing. Allele origin: germline.

Color Diagnostics, LLC DBA Color Health
Classification: Likely benign for Hereditary cancer-predisposing syndrome. Last evaluated: 2017-08-14. Review status: criteria provided, single submitter. Criteria: ACMG Guidelines, 2015. Collection method: clinical testing. Allele origin: germline.